The following is an entry in ClinVar:

ClinVar aggregate classification (germline): Conflicting classifications of pathogenicity. Review status: criteria provided, conflicting classifications (1 of 4 stars). 4 submissions from 4 submitters: Uncertain significance (1); Likely benign (3). Last evaluated 2026-01-26.

Conditions:
Inborn genetic diseases. Identifiers: MedGen C0950123, MeSH D030342.
IFT81-related disorder. Also called: IFT81-related condition.

Allele frequency attached by ClinVar (database versions not stated): ESP Exome Variant Server 0.00008; gnomAD exomes 0.00009 and 0.00022; gnomAD 0.00014 and 0.00015; ExAC 0.00019; TOPMed 0.00020.
gnomAD v4.1: 158 of 1,591,834 alleles (0.0099%); highest among the groups gnomAD compares: Middle Eastern, 0.051%; no homozygotes.

Submissions (4):

PreventionGenetics, part of Exact Sciences
Classification: Likely benign for IFT81-related condition. Last evaluated: 2026-01-26. Review status: criteria provided, single submitter. Criteria: ACMG Guidelines, 2015. Collection method: clinical testing. Allele origin: germline.
Comment: This variant is classified as likely benign based on ACMG/AMP sequence variant interpretation guidelines (Richards et al. 2015 PMID: 25741868, with internal and published modifications).

Labcorp Genetics (formerly Invitae), Labcorp
Classification: Likely benign. Last evaluated: 2026-01-01. Review status: criteria provided, single submitter. Criteria: Invitae Variant Classification Sherloc (09022015). Collection method: clinical testing. Allele origin: germline.

Blueprint Genetics
Classification: Likely benign. Last evaluated: 2024-09-30. Review status: criteria provided, single submitter. Criteria: ACMG Guidelines, 2015. Collection method: clinical testing. Allele origin: germline.

Ambry Genetics
Classification: Uncertain significance for Inborn genetic diseases. Last evaluated: 2021-07-06. Review status: criteria provided, single submitter. Criteria: Ambry Variant Classification Scheme 2023. Collection method: clinical testing. Allele origin: germline.

NM_014055.4(IFT81):c.1954T>C (p.Cys652Arg)

Gene: IFT81 (intraflagellar transport 81; plus strand). Cytogenetic location: 12q24.11.
Variant type: single nucleotide variant.
Coding change: c.1954T>C on transcript NM_014055.4 (MANE Select); coding-DNA position 1954, T replaced by C.
Protein change: p.Cys652Arg; replaces cysteine 652 with arginine.
Molecular consequence: missense variant. On other transcripts: non-coding transcript variant (4).
Genome position (GRCh38, 1-based): chr12:110,218,149, T>C. VCF-style: chr12-110218149-T-C. GRCh37 (hg19) VCF-style: chr12-110655954-T-C.
Other names: c.1954T>C, p.Cys652Arg (NM_001143779.2); c.1024T>C, p.Cys342Arg (NM_001347947.2, NM_001347948.2); c.1954T>C (NM_014055.3); short protein forms C342R, C652R.
Identifiers: ClinVar variation 1587694 (VCV001587694.11), dbSNP rs200265725, ClinGen allele CA6783540.